The following is an entry in ClinVar:

NM_001382241.1(TNPO2):c.2654C>T (p.Pro885Leu)

Genes: TNPO2 (transportin 2; minus strand), LOC126862859 (CDK7 strongly-dependent group 2 enhancer GRCh37_chr19:12811952-12813151; plus strand). Cytogenetic location: 19p13.13.
Variant type: single nucleotide variant.
Coding change: c.2654C>T on transcript NM_001382241.1 (MANE Select); coding-DNA position 2654, C replaced by T.
Protein change: p.Pro885Leu; replaces proline 885 with leucine.
Molecular consequence: missense variant. On other transcripts: non-coding transcript variant (6).
Genome position (GRCh38, 1-based): chr19:12,701,386, G>A on the plus strand (C>T on the coding strand, the complement: TNPO2 is on the minus strand). VCF-style: chr19-12701386-G-A. GRCh37 (hg19) VCF-style: chr19-12812200-G-A.
Other names: c.2624C>T, p.Pro875Leu (NM_001136195.2, NM_001382236.1, NM_001382237.1 and 3 more transcripts); c.2654C>T, p.Pro885Leu (NM_001136196.2, NM_001382240.1, NM_001382242.1); c.2618C>T, p.Pro873Leu (NM_001382243.1); short protein forms P875L, P873L, P885L.
Identifiers: ClinVar variation 3180549 (VCV003180549.2), dbSNP rs201711242, ClinGen allele CA9228669.

ClinVar aggregate classification (germline): Benign/Likely benign. Review status: criteria provided, multiple submitters, no conflicts (2 of 4 stars). 2 submissions from 2 submitters: Benign (1); Likely benign (1). Last evaluated 2024-11-26.

Conditions:
Inborn genetic diseases. Identifiers: MedGen C0950123, MeSH D030342.
TNPO2-related disorder. Also called: TNPO2-related condition.

Allele frequency attached by ClinVar (database versions not stated): 1000 Genomes Project 30x 0.00094; gnomAD exomes 0.00004; gnomAD 0.00005; TOPMed 0.00005; ESP Exome Variant Server 0.00008; ExAC 0.00009; 1000 Genomes Project 0.00020.
gnomAD v4.1: 61 of 1,613,942 alleles (0.0038%); highest among the groups gnomAD compares: East Asian, 0.056%; no homozygotes.

Submissions (2):

PreventionGenetics, part of Exact Sciences
Classification: Benign for TNPO2-related condition. Last evaluated: 2024-11-26. Review status: criteria provided, single submitter. Criteria: ACMG Guidelines, 2015. Collection method: clinical testing. Allele origin: germline.
Comment: This variant is classified as benign based on ACMG/AMP sequence variant interpretation guidelines (Richards et al. 2015 PMID: 25741868, with internal and published modifications).

Ambry Genetics
Classification: Likely benign for Inborn genetic diseases. Last evaluated: 2023-12-17. Review status: criteria provided, single submitter. Criteria: Ambry Variant Classification Scheme 2023. Collection method: clinical testing. Allele origin: germline.